The following is an entry in ClinVar:

ClinVar aggregate classification (germline): Uncertain significance (1 of 4 stars; one submission).

Conditions:
Renal carnitine transport defect (CDSP). Also called: Primary carnitine deficiency; Systemic primary carnitine deficiency; Carnitine transporter deficiency; Carnitine Deficiency, Systemic; Systemic primary carnitine deficiency disease; CARNITINE DEFICIENCY, SYSTEMIC, DUE TO DEFECT IN RENAL REABSORPTION OF CARNITINE. Identifiers: Orphanet 158, MedGen C0342788, MONDO:0008919, OMIM 212140.

gnomAD v4.1: 1 of 1,577,524 alleles (0.000063%); no homozygotes.

Submission:

Labcorp Genetics (formerly Invitae), Labcorp
Classification: Uncertain significance for Renal carnitine transport defect. Last evaluated: 2022-06-14. Review status: criteria provided, single submitter. Criteria: Invitae Variant Classification Sherloc (09022015). Collection method: clinical testing. Allele origin: germline.
Comment: In summary, the available evidence is currently insufficient to determine the role of this variant in disease. Therefore, it has been classified as a Variant of Uncertain Significance. Advanced modeling of protein sequence and biophysical properties (such as structural, functional, and spatial information, amino acid conservation, physicochemical variation, residue mobility, and thermodynamic stability) performed at Invitae indicates that this missense variant is not expected to disrupt SLC22A5 protein function. This missense change has been observed in individual(s) with primary carnitine deficiency (Invitae). In at least one individual the data is consistent with being in trans (on the opposite chromosome) from a pathogenic variant. This variant is not present in population databases (gnomAD no frequency). This sequence change replaces phenylalanine, which is neutral and non-polar, with serine, which is neutral and polar, at codon 92 of the SLC22A5 protein (p.Phe92Ser).

NM_003060.4(SLC22A5):c.275T>C (p.Phe92Ser)

Gene: SLC22A5 (solute carrier family 22 member 5; plus strand). Cytogenetic location: 5q31.1.
Variant type: single nucleotide variant.
Coding change: c.275T>C on transcript NM_003060.4 (MANE Select); coding-DNA position 275, T replaced by C.
Protein change: p.Phe92Ser; replaces phenylalanine 92 with serine.
Molecular consequence: missense variant.
Genome position (GRCh38, 1-based): chr5:132,370,247, T>C. VCF-style: chr5-132370247-T-C. GRCh37 (hg19) VCF-style: chr5-131705939-T-C.
Other names: c.275T>C, p.Phe92Ser (NM_001308122.2); short protein forms F92S.
Identifiers: ClinVar variation 1932425 (VCV001932425.5), dbSNP rs2532089528, ClinGen allele CA360802719.